The following is an entry in ClinVar:

NM_001127649.3(PEX26):c.17C>A (p.Ser6Ter)

Genes: PEX26 (peroxisomal biogenesis factor 26; plus strand), LOC130066940 (ATAC-STARR-seq lymphoblastoid silent region 13448; plus strand). Cytogenetic location: 22q11.21.
Variant type: single nucleotide variant.
Coding change: c.17C>A on transcript NM_001127649.3 (MANE Select); coding-DNA position 17, C replaced by A.
Protein change: p.Ser6Ter; replaces serine 6 with a stop codon.
Molecular consequence: nonsense.
Genome position (GRCh38, 1-based): chr22:18,078,393, C>A. VCF-style: chr22-18078393-C-A. GRCh37 (hg19) VCF-style: chr22-18561159-C-A.
Other names: c.17C>A, p.Ser6Ter (NM_001199319.2, NM_017929.6); short protein forms S6*.
Identifiers: ClinVar variation 4855872 (VCV004855872.1).
Genomic context (GRCh38, chr22:18,078,393, plus strand): 5'-TCACTCCGACGTCTGAGGACCTGGGCCTTGGACCCGGACTCGTTATGAAGAGCGATTCTT[C>A]GACCTCTGCAGCCCCCCTCAGGGGGCTCGGGGGACCCCTGCGCAGCAGCGAGCCGGTGCG-3'

ClinVar aggregate classification (germline): Pathogenic (1 of 4 stars; one submission).

Conditions:
Peroxisome biogenesis disorder 7A (Zellweger). Also called: Peroxisome biogenesis disorder 7A. Identifiers: Orphanet 912, MedGen C3888385, MONDO:0013938, OMIM 614872.

Submission:

3billion
Classification: Pathogenic for Peroxisome biogenesis disorder 7A (Zellweger). Last evaluated: 2025-05-28. Review status: criteria provided, single submitter. Criteria: ACMG Guidelines, 2015. Collection method: clinical testing. Allele origin: germline. Affected: yes.
Comment: The variant is not observed in the gnomAD v4.1.0 dataset. Predicted Consequence/Location: Stop-gained (nonsense): predicted to result in a loss or disruption of normal protein function through nonsense-mediated decay (NMD) or protein truncation. Multiple pathogenic variants are reported downstream of the variant. Therefore, this variant is classified as Pathogenic according to the recommendation of ACMG/AMP guideline.